The following is an entry in ClinVar:

ClinVar aggregate classification (germline): Uncertain significance (1 of 4 stars; one submission).

Allele frequency attached by ClinVar (database versions not stated): gnomAD exomes below 0.00001 and 0.00001; ExAC 0.00001; gnomAD 0.00001; TOPMed 0.00001; ESP Exome Variant Server 0.00008.
gnomAD v4.1: 9 of 1,613,310 alleles (0.00056%); highest among the groups gnomAD compares: Admixed American, 0.0033%; no homozygotes.

Submission:

Labcorp Genetics (formerly Invitae), Labcorp
Classification: Uncertain significance. Last evaluated: 2024-02-16. Review status: criteria provided, single submitter. Criteria: Invitae Variant Classification Sherloc (09022015). Collection method: clinical testing. Allele origin: germline.
Comment: This sequence change replaces glutamic acid, which is acidic and polar, with lysine, which is basic and polar, at codon 779 of the CLCN6 protein (p.Glu779Lys). This variant is not present in population databases (gnomAD no frequency). This variant has not been reported in the literature in individuals affected with CLCN6-related conditions. ClinVar contains an entry for this variant (Variation ID: 1460655). An algorithm developed to predict the effect of missense changes on protein structure and function (PolyPhen-2) suggests that this variant is likely to be disruptive. In summary, the available evidence is currently insufficient to determine the role of this variant in disease. Therefore, it has been classified as a Variant of Uncertain Significance.

NM_001286.5(CLCN6):c.2335G>A (p.Glu779Lys)

Gene: CLCN6 (chloride voltage-gated channel 6; plus strand). Cytogenetic location: 1p36.22.
Variant type: single nucleotide variant.
Coding change: c.2335G>A on transcript NM_001286.5 (MANE Select); coding-DNA position 2335, G replaced by A.
Protein change: p.Glu779Lys; replaces glutamic acid 779 with lysine.
Molecular consequence: missense variant. On other transcripts: non-coding transcript variant (1).
Genome position (GRCh38, 1-based): chr1:11,838,374, G>A. VCF-style: chr1-11838374-G-A. GRCh37 (hg19) VCF-style: chr1-11898431-G-A.
Other names: c.2269G>A, p.Glu757Lys (NM_001256959.2); short protein forms E779K, E757K.
Identifiers: ClinVar variation 1460655 (VCV001460655.8), dbSNP rs149322151, ClinGen allele CA596808.